The following is an entry in ClinVar:

ClinVar aggregate classification (germline): Benign (1 of 4 stars; one submission).

Conditions:
Congenital microvillous atrophy (DIAR2). Also called: DAVIDSON DISEASE; MICROVILLUS ATROPHY, CONGENITAL; Microvillus inclusion disease; Diarrhea 2 with microvillus atrophy, with or without cholestasis; CONGENITAL FAMILIAL PROTRACTED DIARRHEA WITH ENTEROCYTE BRUSH-BORDER ABNORMALITIES. Identifiers: Orphanet 2290, MedGen C0341306, MONDO:0009635, OMIM 251850.

Allele frequency attached by ClinVar (database versions not stated): gnomAD 0.00627 and 0.00671; 1000 Genomes Project 30x 0.00812; 1000 Genomes Project 0.00819.

Submission:

Illumina Laboratory Services, Illumina
Classification: Benign for Congenital microvillous atrophy. Last evaluated: 2018-01-13. Review status: criteria provided, single submitter. Criteria: ICSL Variant Classification Criteria 13 December 2019. Collection method: clinical testing. Allele origin: germline.
Comment: This variant was observed in the ICSL laboratory as part of a predisposition screen in an ostensibly healthy population. It had not been previously curated by ICSL or reported in the Human Gene Mutation Database (HGMD: prior to June 1st, 2018), and was therefore a candidate for classification through an automated scoring system. Utilizing variant allele frequency, disease prevalence and penetrance estimates, and inheritance mode, an automated score was calculated to assess if this variant is too frequent to cause the disease. Based on the score and internal cut-off values, a variant classified as benign is not then subjected to further curation. The score for this variant resulted in a classification of benign for this disease.

NM_001080467.3(MYO5B):c.*3368G>C

Genes: SNHG22 (small nucleolar RNA host gene 22; plus strand), MYO5B (myosin VB; minus strand). Cytogenetic location: 18q21.1.
Variant type: single nucleotide variant.
Coding change: c.*3368G>C on transcript NM_001080467.3 (MANE Select); 3368 bases downstream of the stop codon, G replaced by C.
Molecular consequence: 3 prime UTR variant.
Genome position (GRCh38, 1-based): chr18:49,823,103, C>G on the plus strand (G>C on the coding strand, the complement: MYO5B is on the minus strand). VCF-style: chr18-49823103-C-G. GRCh37 (hg19) VCF-style: chr18-47349473-C-G.
Identifiers: ClinVar variation 326920 (VCV000326920.5), dbSNP rs9947614, ClinGen allele CA10641525.